The following is an entry in ClinVar:

NM_001283009.2(RTEL1):c.3096del (p.Arg1032fs)

Genes: RTEL1 (regulator of telomere elongation helicase 1; plus strand), RTEL1-TNFRSF6B (RTEL1-TNFRSF6B readthrough (NMD candidate); plus strand). Cytogenetic location: 20q13.33.
Variant type: Deletion.
Coding change: c.3096del on transcript NM_001283009.2 (MANE Select); coding-DNA position 3096, one base deleted (G; older notation c.3096delG).
Protein change: p.Arg1032fs; shifts the reading frame from arginine 1032.
Molecular consequence: frameshift variant. On other transcripts: non-coding transcript variant (1).
Genome position (GRCh38, 1-based): chr20:63,694,475, G deleted; the last of 2 consecutive G bases (chr20:63,694,474-63,694,475); deleting either gives the same sequence. VCF-style (leftmost placement, unchanged base first): chr20-63694473-AG-A. GRCh37 (hg19) VCF-style: chr20-62325826-AG-A.
Other names: c.2427del, p.Arg809fs (NM_001283010.1); c.3096del, p.Arg1032fs (NM_016434.4); c.3168del, p.Arg1056fs (NM_032957.5); short protein forms R1032fs, R1056fs, R809fs.
Identifiers: ClinVar variation 3755137 (VCV003755137.2).

ClinVar aggregate classification (germline): Pathogenic (1 of 4 stars; one submission).

Conditions:
Pulmonary fibrosis and/or bone marrow failure, Telomere-related, 3. Also called: PULMONARY FIBROSIS AND/OR BONE MARROW FAILURE SYNDROME, TELOMERE-RELATED, 3. Identifiers: Orphanet 2032, MedGen C4225346, MONDO:0014613, OMIM 616373.
Dyskeratosis congenita, autosomal recessive 5 (DKCB5). Identifiers: MedGen C3554656, MONDO:0014076, OMIM 615190.

Submission:

Labcorp Genetics (formerly Invitae), Labcorp
Classification: Pathogenic for Dyskeratosis congenita, autosomal recessive 5; Pulmonary fibrosis and/or bone marrow failure, Telomere-related, 3. Last evaluated: 2024-03-13. Review status: criteria provided, single submitter. Criteria: Invitae Variant Classification Sherloc (09022015). Collection method: clinical testing. Allele origin: germline.
Comment: This sequence change creates a premature translational stop signal (p.Arg1032Serfs*29) in the RTEL1 gene. It is expected to result in an absent or disrupted protein product. Loss-of-function variants in RTEL1 are known to be pathogenic (PMID: 23453664, 23959892, 25607374). This variant is not present in population databases (gnomAD no frequency). This variant has not been reported in the literature in individuals affected with RTEL1-related conditions. For these reasons, this variant has been classified as Pathogenic.

Literature cited by the submitters: PubMed 23453664; PubMed 23959892; PubMed 25607374.